The following is an entry in ClinVar:

NM_000257.4(MYH7):c.5587C>T (p.Arg1863Trp)

Gene: MYH7 (myosin heavy chain 7; minus strand). Cytogenetic location: 14q11.2.
Variant type: single nucleotide variant.
Coding change: c.5587C>T on transcript NM_000257.4 (MANE Select); coding-DNA position 5587, C replaced by T.
Protein change: p.Arg1863Trp; replaces arginine 1863 with tryptophan.
Molecular consequence: missense variant.
Genome position (GRCh38, 1-based): chr14:23,414,075, G>A on the plus strand (C>T on the coding strand, the complement: MYH7 is on the minus strand). VCF-style: chr14-23414075-G-A. GRCh37 (hg19) VCF-style: chr14-23883284-G-A.
Other names: c.5587C>T (NM_000257.2); short protein forms R1863W.
Identifiers: ClinVar variation 918220 (VCV000918220.21), dbSNP rs376668612, ClinGen allele CA047563.

ClinVar aggregate classification (germline): Uncertain significance. Review status: criteria provided, multiple submitters, no conflicts (2 of 4 stars). 7 submissions from 7 submitters: Uncertain significance (7). Last evaluated 2026-01-25.

Conditions:
Hypertrophic cardiomyopathy 1 (CMH1). Also called: Familial hypertrophic cardiomyopathy 1; MYH7-Related Familial Hypertrophic Cardiomyopathy. Identifiers: MedGen C3495498, MONDO:0008647, OMIM 192600.
Congenital myopathy with fiber type disproportion. Also called: Congenital fiber-type disproportion myopathy; Congenital fiber-type disproportion. Identifiers: Orphanet 2020, MedGen C0546264, MONDO:0009711. Inheritance: all.
Myosin storage myopathy (CMYO7A). Also called: MYOPATHY, HYALINE BODY, AUTOSOMAL DOMINANT; Scapuloperoneal myopathy, MYH7-related; MYOPATHY WITH LYSIS OF TYPE I MYOFIBRILS; MYH7-related late-onset scapuloperoneal muscular dystrophy; Congenital myopathy 7A, myosin storage, autosomal dominant; SCAPULOPERONEAL MUSCULAR DYSTROPHY. Identifiers: Orphanet 437572, Orphanet 636965, MedGen C1842160, MONDO:0008409, OMIM 608358.
Dilated cardiomyopathy 1S (CMD1S). Identifiers: Orphanet 154, Orphanet 54260, MedGen C1834481, MONDO:0013262, OMIM 613426.
MYH7-related skeletal myopathy. Also called: Myopathy, distal, 1; Laing distal myopathy; Laing early-onset distal myopathy; MYOPATHY, DISTAL, EARLY-ONSET, AUTOSOMAL DOMINANT; MYOPATHY, LATE DISTAL HEREDITARY. Identifiers: Orphanet 59135, MedGen C4552004, MONDO:0008050, OMIM 160500.
Myopathy, myosin storage, autosomal recessive (CMYO7B). Also called: CONGENITAL MYOPATHY 7B, MYOSIN STORAGE, AUTOSOMAL RECESSIVE. Identifiers: Orphanet 636970, MedGen C1850709, MONDO:0009708, OMIM 255160.
Cardiomyopathy (CMYO). Also called: Cardiomyopathies. Identifiers: Orphanet 167848, MedGen C0878544, MONDO:0004994, HP:0001638. Inheritance: Various modes of inheritance.
Hypertrophic cardiomyopathy. Also called: HYPERTROPHIC MYOCARDIOPATHY. Identifiers: Orphanet 217569, MedGen C0007194, MeSH D002312, MONDO:0005045, HP:0001639.

Allele frequency attached by ClinVar (database versions not stated): gnomAD exomes 0.00001; ESP Exome Variant Server 0.00008; ExAC 0.00001.
gnomAD v4.1: 12 of 1,613,622 alleles (0.00074%); highest among the groups gnomAD compares: South Asian, 0.0055%; no homozygotes.

Submissions (7):

GeneDx
Classification: Uncertain significance. Last evaluated: 2026-01-25. Review status: criteria provided, single submitter. Criteria: GeneDx Variant Classification Process June 2021. Collection method: clinical testing. Allele origin: germline.
Comment: Identified in a patient in the published literature with hypertrophic cardiomyopathy; however, it is unclear if other variants were identified or if variant was inherited (PMID: 27532257); In silico analysis supports that this missense variant has a deleterious effect on protein structure/function; Not observed at significant frequency in large population cohorts (gnomAD); This variant is associated with the following publications: (PMID: 37652022, 27532257)

Dasa
Classification: Uncertain significance. Last evaluated: 2025-10-16. Review status: criteria provided, single submitter. Criteria: DASA Assertion Criteria. Collection method: clinical testing. Allele origin: germline.
Comment: NM_000257.4(MYH7):c.5587C>T (p.Arg1863Trp) is a missense variant that results in the substitution of arginine with tryptophan. The affected residue or protein region has prior evidence supporting clinical relevance. This variant is rare in population databases. Computational prediction algorithms are consistent with a deleterious effect. The currently available literature and clinical evidence are not sufficient to establish a definitive association between this variant and the reported condition. Therefore, this variant is classified as a variant of uncertain significance.

Labcorp Genetics (formerly Invitae), Labcorp
Classification: Uncertain significance for Hypertrophic cardiomyopathy. Last evaluated: 2025-03-11. Review status: criteria provided, single submitter. Criteria: Invitae Variant Classification Sherloc (09022015). Collection method: clinical testing. Allele origin: germline.
Comment: This sequence change replaces arginine, which is basic and polar, with tryptophan, which is neutral and slightly polar, at codon 1863 of the MYH7 protein (p.Arg1863Trp). This variant is present in population databases (rs376668612, gnomAD 0.01%). This missense change has been observed in individual(s) with hypertrophic cardiomyopathy (PMID: 27532257, 37652022). ClinVar contains an entry for this variant (Variation ID: 918220). Invitae Evidence Modeling of protein sequence and biophysical properties (such as structural, functional, and spatial information, amino acid conservation, physicochemical variation, residue mobility, and thermodynamic stability) indicates that this missense variant is expected to disrupt MYH7 protein function with a positive predictive value of 95%. In summary, the available evidence is currently insufficient to determine the role of this variant in disease. Therefore, it has been classified as a Variant of Uncertain Significance.

All of Us Research Program, National Institutes of Health
Classification: Uncertain significance for Cardiomyopathy. Last evaluated: 2023-03-09. Review status: criteria provided, single submitter. Criteria: ACMG Guidelines, 2015. Collection method: clinical testing. Allele origin: germline. Inheritance: Autosomal dominant inheritance. Observed: 1 variant allele, 1 heterozygote.
Comment: This missense variant replaces arginine with tryptophan at codon 1863 of the MYH7 protein. Computational prediction suggests that this variant may have deleterious impact on protein structure and function (internally defined REVEL score threshold >= 0.7, PMID: 27666373). To our knowledge, functional studies have not been reported for this variant. This variant has been reported in an individual affected with hypertrophic cardiomyopathy (PMID: 27532257). This variant has been identified in 2/251042 chromosomes in the general population by the Genome Aggregation Database (gnomAD). The available evidence is insufficient to determine the role of this variant in disease conclusively. Therefore, this variant is classified as a Variant of Uncertain Significance.

This study involves interpretation of variants in research participants for the purpose of population health screening. Participant phenotype was not available at the time of variant classification. Additional details can be found in publication PMID: 35346344, PMCID: PMC8962531

Color Diagnostics, LLC DBA Color Health
Classification: Uncertain significance for Cardiomyopathy. Last evaluated: 2023-02-02. Review status: criteria provided, single submitter. Criteria: ACMG Guidelines, 2015. Collection method: clinical testing. Allele origin: germline.
Comment: This missense variant replaces arginine with tryptophan at codon 1863 of the MYH7 protein. Computational prediction suggests that this variant may have deleterious impact on protein structure and function (internally defined REVEL score threshold >= 0.7, PMID: 27666373). To our knowledge, functional studies have not been reported for this variant. This variant has been reported in an individual affected with hypertrophic cardiomyopathy (PMID: 27532257). This variant has been identified in 2/251042 chromosomes in the general population by the Genome Aggregation Database (gnomAD). The available evidence is insufficient to determine the role of this variant in disease conclusively. Therefore, this variant is classified as a Variant of Uncertain Significance.

Revvity Omics, Revvity
Classification: Uncertain significance. Last evaluated: 2022-03-23. Review status: criteria provided, single submitter. Criteria: ACMG Guidelines, 2015. Collection method: clinical testing. Allele origin: germline.

Fulgent Genetics
Classification: Uncertain significance for MYH7-related skeletal myopathy; Myosin storage myopathy; Hypertrophic cardiomyopathy 1; Myopathy, myosin storage, autosomal recessive; Congenital myopathy 4A, autosomal dominant; Dilated cardiomyopathy 1S. Last evaluated: 2021-11-15. Review status: criteria provided, single submitter. Criteria: ACMG Guidelines, 2015. Collection method: clinical testing. Allele origin: unknown.

Literature cited by the submitters: PubMed 27532257 (cited by 3 submitters); PubMed 37652022 (cited by Labcorp Genetics (formerly Invitae), Labcorp).